The following is an entry in ClinVar:

NM_000428.3(LTBP2):c.739C>T (p.Arg247Cys)

Gene: LTBP2 (latent transforming growth factor beta binding protein 2; minus strand). Cytogenetic location: 14q24.3.
Variant type: single nucleotide variant.
Coding change: c.739C>T on transcript NM_000428.3 (MANE Select); coding-DNA position 739, C replaced by T.
Protein change: p.Arg247Cys; replaces arginine 247 with cysteine.
Molecular consequence: missense variant.
Genome position (GRCh38, 1-based): chr14:74,585,945, G>A on the plus strand (C>T on the coding strand, the complement: LTBP2 is on the minus strand). VCF-style: chr14-74585945-G-A. GRCh37 (hg19) VCF-style: chr14-75052648-G-A.
Other names: c.739C>T (NM_000428.2); short protein forms R247C.
Identifiers: ClinVar variation 1463517 (VCV001463517.7), dbSNP rs747686053, ClinGen allele CA390383394.

ClinVar aggregate classification (germline): Uncertain significance. Review status: criteria provided, multiple submitters, no conflicts (2 of 4 stars). 2 submissions from 2 submitters: Uncertain significance (2). Last evaluated 2025-05-18.

Conditions:
Inborn genetic diseases. Identifiers: MedGen C0950123, MeSH D030342.

Allele frequency attached by ClinVar (database versions not stated): gnomAD exomes below 0.00001; gnomAD 0.00001.

Submissions (2):

Ambry Genetics
Classification: Uncertain significance for Inborn genetic diseases. Last evaluated: 2025-05-18. Review status: criteria provided, single submitter. Criteria: Ambry Variant Classification Scheme 2023. Collection method: clinical testing. Allele origin: germline.

Labcorp Genetics (formerly Invitae), Labcorp
Classification: Uncertain significance. Last evaluated: 2022-06-05. Review status: criteria provided, single submitter. Criteria: Invitae Variant Classification Sherloc (09022015). Collection method: clinical testing. Allele origin: germline.
Comment: Algorithms developed to predict the effect of missense changes on protein structure and function (SIFT, PolyPhen-2, Align-GVGD) all suggest that this variant is likely to be disruptive. ClinVar contains an entry for this variant (Variation ID: 1463517). This variant has not been reported in the literature in individuals affected with LTBP2-related conditions. This variant is present in population databases (no rsID available, gnomAD 0.003%). This sequence change replaces arginine, which is basic and polar, with cysteine, which is neutral and slightly polar, at codon 247 of the LTBP2 protein (p.Arg247Cys). In summary, the available evidence is currently insufficient to determine the role of this variant in disease. Therefore, it has been classified as a Variant of Uncertain Significance.